The following is an entry in ClinVar:

NM_012467.4(TPSG1):c.660C>T (p.Asp220=)

Gene: TPSG1 (tryptase gamma 1; minus strand). Cytogenetic location: 16p13.3.
Variant type: single nucleotide variant.
Coding change: c.660C>T on transcript NM_012467.4 (MANE Select); coding-DNA position 660, C replaced by T.
Protein change: p.Asp220=; no amino-acid change (aspartic acid 220 retained).
Molecular consequence: synonymous variant.
Genome position (GRCh38, 1-based): chr16:1,222,094, G>A on the plus strand (C>T on the coding strand, the complement: TPSG1 is on the minus strand). VCF-style: chr16-1222094-G-A. GRCh37 (hg19) VCF-style: chr16-1272094-G-A.
Identifiers: ClinVar variation 4084027 (VCV004084027.8).

ClinVar aggregate classification (germline): Likely benign (1 of 4 stars; one submission).

gnomAD v4.1: 114 of 1,612,782 alleles (0.0071%); highest among the groups gnomAD compares: Admixed American, 0.015%; no homozygotes.

Submission:

CeGaT Center for Human Genetics Tuebingen
Classification: Likely benign. Last evaluated: 2025-06-01. Review status: criteria provided, single submitter. Criteria: CeGaT Center For Human Genetics Tuebingen Variant Classification Criteria Version 2. Collection method: clinical testing. Allele origin: germline. Affected: yes. Observed: 1 variant allele.
Comment: TPSG1: BP4, BP7